The following is an entry in ClinVar:

NM_033004.4(NLRP1):c.2002G>T (p.Ala668Ser)

Gene: NLRP1 (NLR family pyrin domain containing 1; minus strand). Cytogenetic location: 17p13.2.
Variant type: single nucleotide variant.
Coding change: c.2002G>T on transcript NM_033004.4 (MANE Select); coding-DNA position 2002, G replaced by T.
Protein change: p.Ala668Ser; replaces alanine 668 with serine.
Molecular consequence: missense variant.
Genome position (GRCh38, 1-based): chr17:5,558,694, C>A on the plus strand (G>T on the coding strand, the complement: NLRP1 is on the minus strand). VCF-style: chr17-5558694-C-A. GRCh37 (hg19) VCF-style: chr17-5462014-C-A.
Other names: c.2002G>T, p.Ala668Ser (NM_001033053.3, NM_014922.5, NM_033006.4 and 1 more transcripts); short protein forms A668S.
Identifiers: ClinVar variation 2871352 (VCV002871352.3), dbSNP rs200638674, ClinGen allele CA8327282.
Genomic context (GRCh38, chr17:5,558,694, plus strand): 5'-TCTCCATCTCTCTCTCCCCCTCATCACTTAACAGGCCCAATAGGAAACGTGTGGTTGATG[C>A]CCCAAACAGGCCATGTATTCCATATGCTTCTAGCGTCTTTTCCAAATCTATGATGCAATT-3'
Protein context (NP_127497.1, residues 658-678): EAYGIHGLFG[Ala668Ser]STTRFLLGLL

ClinVar aggregate classification (germline): Uncertain significance (1 of 4 stars; one submission).

Allele frequency attached by ClinVar (database versions not stated): gnomAD 0.00001; TOPMed below 0.00001; ExAC 0.00001.
gnomAD v4.1: 11 of 1,614,046 alleles (0.00068%); highest among the groups gnomAD compares: Non-Finnish European, 0.00093%; no homozygotes.

Submission:

Labcorp Genetics (formerly Invitae), Labcorp
Classification: Uncertain significance. Last evaluated: 2025-10-16. Review status: criteria provided, single submitter. Criteria: Invitae Variant Classification Sherloc (09022015). Collection method: clinical testing. Allele origin: germline.
Comment: This sequence change replaces alanine, which is neutral and non-polar, with serine, which is neutral and polar, at codon 668 of the NLRP1 protein (p.Ala668Ser). This variant is present in population databases (rs200638674, gnomAD 0.003%). This variant has not been reported in the literature in individuals affected with NLRP1-related conditions. ClinVar contains an entry for this variant (Variation ID: 2871352). An algorithm developed to predict the effect of missense changes on protein structure and function outputs the following: PolyPhen-2: "Possibly Damaging". The serine amino acid residue is found in multiple mammalian species, which suggests that this missense change does not adversely affect protein function. In summary, the available evidence is currently insufficient to determine the role of this variant in disease. Therefore, it has been classified as a Variant of Uncertain Significance.